The following is an entry in ClinVar:

NM_001330078.2(NRXN1):c.-31G>C

Gene: NRXN1 (neurexin 1; minus strand). Cytogenetic location: 2p16.3.
Variant type: single nucleotide variant.
Coding change: c.-31G>C on transcript NM_001330078.2 (MANE Select); 31 bases upstream of the start codon, G replaced by C.
Molecular consequence: 5 prime UTR variant.
Genome position (GRCh38, 1-based): chr2:51,028,304, C>G on the plus strand (G>C on the coding strand, the complement: NRXN1 is on the minus strand). VCF-style: chr2-51028304-C-G. GRCh37 (hg19) VCF-style: chr2-51255442-C-G.
Other names: c.-31G>C (NM_001135659.3, NM_001330077.2, NM_001330079.2 and 15 more transcripts).
Identifiers: ClinVar variation 3030553 (VCV003030553.2), dbSNP rs774347162, ClinGen allele CA48054961.
Genomic context (GRCh38, chr2:51,028,304, plus strand): 5'-GCCCCCGCGCTGGAGCAGCGCCGTCCCCATGCTCGGGGCTGGGGTGCGGCGGGGGGGTGC[C>G]GGGGCCGACAGGGTCAAAATGGTCCTGGACACCGTGACGAAGAAATAAGGGTCCCGAGAG-3'

ClinVar aggregate classification (germline): Likely benign (0 of 4 stars; one submission).

Conditions:
NRXN1-related disorder.

gnomAD v4.1: 17 of 1,396,528 alleles (0.0012%); highest among the groups gnomAD compares: South Asian, 0.026%; 1 homozygote.

Submission:

PreventionGenetics, part of Exact Sciences
Classification: Likely benign for NRXN1-related condition. Last evaluated: 2022-03-09. Review status: no assertion criteria provided. Collection method: clinical testing. Allele origin: germline.
Comment: This variant is classified as likely benign based on ACMG/AMP sequence variant interpretation guidelines (Richards et al. 2015 PMID: 25741868, with internal and published modifications).